The following is an entry in ClinVar:

ClinVar aggregate classification (germline): Pathogenic. Review status: criteria provided, multiple submitters, no conflicts (2 of 4 stars). 6 submissions from 6 submitters: Pathogenic (5). 1 of the submissions does not count toward it. Last evaluated 2023-12-05.

Conditions:
Simpson-Golabi-Behmel syndrome type 1 (SGBS1). Also called: BULLDOG SYNDROME; GPC3-Related Simpson-Golabi-Behmel Syndrome Type 1; SIMPSON DYSMORPHIA SYNDROME; DYSPLASIA GIGANTISM SYNDROME, X-LINKED; GOLABI-ROSEN SYNDROME. Identifiers: Orphanet 373, MedGen C0796154, MONDO:0020602, OMIM 312870.
Wilms tumor 1 (WT1). Also called: Wilms tumor, somatic. Identifiers: Orphanet 654, MedGen CN033288, MONDO:0008679, OMIM 194070.

Allele frequency attached by ClinVar (database versions not stated): gnomAD exomes below 0.00001.
gnomAD v4.1: 1 of 1,202,242 alleles (0.000083%); highest among the groups gnomAD compares: Non-Finnish European, 0.00011%; no homozygotes.

Submissions (6):

GeneDx
Classification: Pathogenic. Last evaluated: 2023-12-05. Review status: criteria provided, single submitter. Criteria: GeneDx Variant Classification Process June 2021. Collection method: clinical testing. Allele origin: germline. Affected: yes.
Comment: Nonsense variant predicted to result in protein truncation or nonsense mediated decay in a gene for which loss of function is a known mechanism of disease; Not observed at significant frequency in large population cohorts (gnomAD); This variant is associated with the following publications: (PMID: 24459012, 25525159, 29637653, 33767182, 30667571, 17603795, 29737011)

Labcorp Genetics (formerly Invitae), Labcorp
Classification: Pathogenic for Wilms tumor 1. Last evaluated: 2022-04-03. Review status: criteria provided, single submitter. Criteria: Invitae Variant Classification Sherloc (09022015). Collection method: clinical testing. Allele origin: germline.
Comment: This variant is also known as c.1605C>T. This sequence change creates a premature translational stop signal (p.Arg387*) in the GPC3 gene. It is expected to result in an absent or disrupted protein product. Loss-of-function variants in GPC3 are known to be pathogenic (PMID: 10402475, 12713262, 17603795). This variant is not present in population databases (gnomAD no frequency). This premature translational stop signal has been observed in individual(s) with Simpson-Golabi-Behmel syndrome (PMID: 17603795, 17850639, 24459012). ClinVar contains an entry for this variant (Variation ID: 11694). For these reasons, this variant has been classified as Pathogenic.

Genomic Research Center, Shahid Beheshti University of Medical Sciences
Classification: Pathogenic for Simpson-Golabi-Behmel syndrome. Last evaluated: 2018-08-07. Review status: criteria provided, single submitter. Criteria: ACMG Guidelines, 2015. Collection method: clinical testing. Allele origin: inherited. Affected: yes. Observed: 1 variant allele.

Eurofins Ntd Llc (ga)
Classification: Pathogenic. Last evaluated: 2016-04-01. Review status: criteria provided, single submitter. Criteria: EGL Classification Definitions 2015. Collection method: clinical testing. Allele origin: germline. Observed: 2 variant alleles, 2 hemizygotes.

Genetic Services Laboratory, University of Chicago
Classification: Pathogenic for Simpson-Golabi-Behmel syndrome, type 1. Last evaluated: 2015-07-10. Review status: criteria provided, single submitter. Criteria: ACMG Guidelines, 2015. Collection method: clinical testing. Allele origin: germline. Affected: yes.

OMIM
Classification: Pathogenic for SIMPSON-GOLABI-BEHMEL SYNDROME, TYPE 1. Last evaluated: 2007-10-01. Review status: no assertion criteria provided. Collection method: literature only. Allele origin: germline. Not counted in ClinVar's aggregate classification.

Literature cited by the submitters: PubMed 10402475 (cited by Labcorp Genetics (formerly Invitae), Labcorp); PubMed 12713262 (cited by Labcorp Genetics (formerly Invitae), Labcorp); PubMed 17603795 (cited by Labcorp Genetics (formerly Invitae), Labcorp); PubMed 17850639 (cited by Labcorp Genetics (formerly Invitae), Labcorp and OMIM); PubMed 24459012 (cited by Labcorp Genetics (formerly Invitae), Labcorp).

NM_004484.4(GPC3):c.1159C>T (p.Arg387Ter)

Gene: GPC3 (glypican 3; minus strand). Cytogenetic location: Xq26.2.
Variant type: single nucleotide variant.
Coding change: c.1159C>T on transcript NM_004484.4 (MANE Select); coding-DNA position 1159, C replaced by T.
Protein change: p.Arg387Ter; replaces arginine 387 with a stop codon.
Molecular consequence: nonsense.
Genome position (GRCh38, 1-based): chrX:133,699,902, G>A on the plus strand (C>T on the coding strand, the complement: GPC3 is on the minus strand). VCF-style: chrX-133699902-G-A. GRCh37 (hg19) VCF-style: chrX-132833930-G-A.
Other names: c.1228C>T, p.Arg410Ter (NM_001164617.2); c.1111C>T, p.Arg371Ter (NM_001164618.2); c.997C>T, p.Arg333Ter (NM_001164619.2); short protein forms R387*, R410*, R371*, R333*.
Identifiers: ClinVar variation 11694 (VCV000011694.21), dbSNP rs122453121, ClinGen allele CA256003.